The following is an entry in ClinVar:

NM_015909.4(NBAS):c.2168A>C (p.Gln723Pro)

Gene: NBAS (NBAS subunit of NRZ tethering complex; minus strand). Cytogenetic location: 2p24.3.
Variant type: single nucleotide variant.
Coding change: c.2168A>C on transcript NM_015909.4 (MANE Select); coding-DNA position 2168, A replaced by C.
Protein change: p.Gln723Pro; replaces glutamine 723 with proline.
Molecular consequence: missense variant. On other transcripts: non-coding transcript variant (1).
Genome position (GRCh38, 1-based): chr2:15,461,721, T>G on the plus strand (A>C on the coding strand, the complement: NBAS is on the minus strand). VCF-style: chr2-15461721-T-G. GRCh37 (hg19) VCF-style: chr2-15601845-T-G.
Other names: short protein forms Q723P.
Identifiers: ClinVar variation 2040570 (VCV002040570.4), dbSNP rs1444795397, ClinGen allele CA345881121.

ClinVar aggregate classification (germline): Uncertain significance (1 of 4 stars; one submission).

Allele frequency attached by ClinVar (database versions not stated): gnomAD 0.00001.
gnomAD v4.1: 1 of 1,606,996 alleles (0.000062%); highest among the groups gnomAD compares: Non-Finnish European, 0.000085%; no homozygotes.

Submission:

Labcorp Genetics (formerly Invitae), Labcorp
Classification: Uncertain significance. Last evaluated: 2022-07-11. Review status: criteria provided, single submitter. Criteria: Invitae Variant Classification Sherloc (09022015). Collection method: clinical testing. Allele origin: germline.
Comment: In summary, the available evidence is currently insufficient to determine the role of this variant in disease. Therefore, it has been classified as a Variant of Uncertain Significance. Algorithms developed to predict the effect of missense changes on protein structure and function (SIFT, PolyPhen-2, Align-GVGD) all suggest that this variant is likely to be disruptive. This variant has not been reported in the literature in individuals affected with NBAS-related conditions. This variant is present in population databases (no rsID available, gnomAD 0.007%). This sequence change replaces glutamine, which is neutral and polar, with proline, which is neutral and non-polar, at codon 723 of the NBAS protein (p.Gln723Pro).